The following is an entry in ClinVar:

ClinVar aggregate classification (germline): Uncertain significance. Review status: criteria provided, multiple submitters, no conflicts (2 of 4 stars). 2 submissions from 2 submitters: Uncertain significance (2). Last evaluated 2022-07-07.

Conditions:
Hereditary cancer-predisposing syndrome. Also called: Tumor predisposition; Hereditary neoplastic syndrome; Neoplastic Syndromes, Hereditary; Hereditary Cancer Syndrome. Identifiers: Orphanet 140162, MedGen C0027672, MeSH D009386, MONDO:0015356.

Allele frequency attached by ClinVar (database versions not stated): TOPMed 0.00002.

Submissions (2):

Ambry Genetics
Classification: Uncertain significance for Hereditary cancer-predisposing syndrome. Last evaluated: 2022-07-07. Review status: criteria provided, single submitter. Criteria: Ambry Variant Classification Scheme 2023. Collection method: clinical testing. Allele origin: germline.
Comment: The p.M151I variant (also known as c.453G>T), located in coding exon 3 of the NTHL1 gene, results from a G to T substitution at nucleotide position 453. The methionine at codon 151 is replaced by isoleucine, an amino acid with highly similar properties. This amino acid position is conserved. In addition, this alteration is predicted to be deleterious by in silico analysis. Since supporting evidence is limited at this time, the clinical significance of this alteration remains unclear.

Labcorp Genetics (formerly Invitae), Labcorp
Classification: Uncertain significance. Last evaluated: 2019-02-11. Review status: criteria provided, single submitter. Criteria: Invitae Variant Classification Sherloc (09022015). Collection method: clinical testing. Allele origin: germline.
Comment: In summary, the available evidence is currently insufficient to determine the role of this variant in disease. Therefore, it has been classified as a Variant of Uncertain Significance. Algorithms developed to predict the effect of missense changes on protein structure and function are either unavailable or do not agree on the potential impact of this missense change (SIFT: "Deleterious"; PolyPhen-2: "Benign"; Align-GVGD: "Class 0"). This variant has not been reported in the literature in individuals with NTHL1-related conditions. This variant is not present in population databases (ExAC no frequency). This sequence change replaces methionine with isoleucine at codon 151 of the NTHL1 protein (p.Met151Ile). The methionine residue is highly conserved and there is a small physicochemical difference between methionine and isoleucine.

NM_002528.7(NTHL1):c.429G>T (p.Met143Ile)

Gene: NTHL1 (nth like DNA glycosylase 1; minus strand). Cytogenetic location: 16p13.3.
Variant type: single nucleotide variant.
Coding change: c.429G>T on transcript NM_002528.7 (MANE Select); coding-DNA position 429, G replaced by T.
Protein change: p.Met143Ile; replaces methionine 143 with isoleucine.
Molecular consequence: missense variant. On other transcripts: intron variant (1).
Genome position (GRCh38, 1-based): chr16:2,044,726, C>A on the plus strand (G>T on the coding strand, the complement: NTHL1 is on the minus strand). VCF-style: chr16-2044726-C-A. GRCh37 (hg19) VCF-style: chr16-2094727-C-A.
Other names: c.99G>T, p.Met33Ile (NM_001318194.2); c.355-1000G>T (NM_001318193.2); short protein forms M33I, M143I.
Identifiers: ClinVar variation 847597 (VCV000847597.10), dbSNP rs1461262968, ClinGen allele CA394294371.